The following is an entry in ClinVar:

ClinVar aggregate classification (germline): Uncertain significance (1 of 4 stars; one submission).

Conditions:
Chopra-Amiel-Gordon syndrome (CAGS). Also called: ANKRD17-Related Neurodevelopmental Syndrome. Identifiers: MedGen C5561975, MONDO:0859186, OMIM 619504.

gnomAD v4.1: 12 of 1,614,146 alleles (0.00074%); highest among the groups gnomAD compares: Non-Finnish European, 0.001%; no homozygotes.

Submission:

Laboratorio de Genetica e Diagnostico Molecular, Hospital Israelita Albert Einstein
Classification: Uncertain significance for Chopra-Amiel-Gordon syndrome. Last evaluated: 2023-02-03. Review status: criteria provided, single submitter. Criteria: ACMG Guidelines, 2015. Collection method: clinical testing. Allele origin: germline. Affected: yes.
Comment: ACMG classification criteria: PM2 moderate, BP4 supporting

NM_032217.5(ANKRD17):c.6079G>A (p.Ala2027Thr)

Gene: ANKRD17 (ankyrin repeat domain 17; minus strand). Cytogenetic location: 4q13.3.
Variant type: single nucleotide variant.
Coding change: c.6079G>A on transcript NM_032217.5 (MANE Select); coding-DNA position 6079, G replaced by A.
Protein change: p.Ala2027Thr; replaces alanine 2027 with threonine.
Molecular consequence: missense variant.
Genome position (GRCh38, 1-based): chr4:73,091,549, C>T on the plus strand (G>A on the coding strand, the complement: ANKRD17 is on the minus strand). VCF-style: chr4-73091549-C-T. GRCh37 (hg19) VCF-style: chr4-73957266-C-T.
Other names: c.5740G>A, p.Ala1914Thr (NM_001286771.3); c.6076G>A, p.Ala2026Thr (NM_015574.2); c.5326G>A, p.Ala1776Thr (NM_198889.3); short protein forms A1776T, A1914T, A2026T, A2027T.
Identifiers: ClinVar variation 3901050 (VCV003901050.1).